The following is an entry in ClinVar:

ClinVar aggregate classification (germline): Conflicting classifications of pathogenicity. Review status: criteria provided, conflicting classifications (1 of 4 stars). 2 submissions from 2 submitters: Uncertain significance (1); Likely benign (1). Last evaluated 2024-06-02.

Conditions:
Inborn genetic diseases. Identifiers: MedGen C0950123, MeSH D030342.

Allele frequency attached by ClinVar (database versions not stated): ExAC 0.00002; TOPMed 0.00002.
gnomAD v4.1: 11 of 1,613,956 alleles (0.00068%); highest among the groups gnomAD compares: East Asian, 0.0045%; no homozygotes.

Submissions (2):

Ambry Genetics
Classification: Uncertain significance for Inborn genetic diseases. Last evaluated: 2024-06-02. Review status: criteria provided, single submitter. Criteria: Ambry Variant Classification Scheme 2023. Collection method: clinical testing. Allele origin: germline.

CeGaT Center for Human Genetics Tuebingen
Classification: Likely benign. Last evaluated: 2024-04-01. Review status: criteria provided, single submitter. Criteria: CeGaT Center For Human Genetics Tuebingen Variant Classification Criteria Version 2. Collection method: clinical testing. Allele origin: germline. Affected: yes. Observed: 1 variant allele.
Comment: ZNF462: BP4

NM_021224.6(ZNF462):c.3716G>A (p.Arg1239Gln)

Gene: ZNF462 (zinc finger protein 462; plus strand). Cytogenetic location: 9q31.2.
Variant type: single nucleotide variant.
Coding change: c.3716G>A on transcript NM_021224.6 (MANE Select); coding-DNA position 3716, G replaced by A.
Protein change: p.Arg1239Gln; replaces arginine 1239 with glutamine.
Molecular consequence: missense variant. On other transcripts: intron variant (1).
Genome position (GRCh38, 1-based): chr9:106,927,628, G>A. VCF-style: chr9-106927628-G-A. GRCh37 (hg19) VCF-style: chr9-109689909-G-A.
Other names: c.3252+464G>A (NM_001347997.2); c.3716G>A (NM_021224.4); short protein forms R1239Q.
Identifiers: ClinVar variation 3234590 (VCV003234590.21), dbSNP rs754428110, ClinGen allele CA5171705.
Genomic context (GRCh38, chr9:106,927,628, plus strand): 5'-TCAAGGCCAATGCAGATGTGATCCGGCAGCATACGGCCACCATTCGAAGCCTCTGCGACC[G>A]AAATCAGAAGAAGCCTGCCAGCTGCGTGCTTGTCTCCCCCTCTAATCTGGAGCGGGACAA-3'
Protein context (NP_067047.4, residues 1229-1249): HTATIRSLCD[Arg1239Gln]NQKKPASCVL